The following is an entry in ClinVar:

ClinVar aggregate classification (germline): Uncertain significance. Review status: criteria provided, multiple submitters, no conflicts (2 of 4 stars). 2 submissions from 2 submitters: Uncertain significance (2). Last evaluated 2022-05-01.

Conditions:
Hereditary nonpolyposis colorectal neoplasms. Identifiers: MedGen C0009405, MeSH D003123.
Hereditary cancer-predisposing syndrome. Also called: Neoplastic Syndromes, Hereditary; Hereditary Cancer Syndrome; Hereditary neoplastic syndrome; Tumor predisposition. Identifiers: Orphanet 140162, MedGen C0027672, MeSH D009386, MONDO:0015356.

Submissions (2):

Ambry Genetics
Classification: Uncertain significance for Hereditary cancer-predisposing syndrome. Last evaluated: 2022-05-01. Review status: criteria provided, single submitter. Criteria: Ambry Variant Classification Scheme 2023. Collection method: clinical testing. Allele origin: germline.
Comment: The p.V1231D variant (also known as c.3692T>A), located in coding exon 8 of the MSH6 gene, results from a T to A substitution at nucleotide position 3692. The valine at codon 1231 is replaced by aspartic acid, an amino acid with highly dissimilar properties. This amino acid position is conserved. In addition, this alteration is predicted to be deleterious by in silico analysis. Since supporting evidence is limited at this time, the clinical significance of this alteration remains unclear.

Labcorp Genetics (formerly Invitae), Labcorp
Classification: Uncertain significance for Hereditary nonpolyposis colorectal neoplasms. Last evaluated: 2021-10-17. Review status: criteria provided, single submitter. Criteria: Invitae Variant Classification Sherloc (09022015). Collection method: clinical testing. Allele origin: germline.
Comment: This sequence change replaces valine with aspartic acid at codon 1231 of the MSH6 protein (p.Val1231Asp). The valine residue is highly conserved and there is a large physicochemical difference between valine and aspartic acid. This variant is not present in population databases (ExAC no frequency). This variant has not been reported in the literature in individuals affected with MSH6-related conditions. Advanced modeling of protein sequence and biophysical properties (such as structural, functional, and spatial information, amino acid conservation, physicochemical variation, residue mobility, and thermodynamic stability) performed at Invitae indicates that this missense variant is expected to disrupt MSH6 protein function. In summary, the available evidence is currently insufficient to determine the role of this variant in disease. Therefore, it has been classified as a Variant of Uncertain Significance.

NM_000179.3(MSH6):c.3692T>A (p.Val1231Asp)

Gene: MSH6 (mutS homolog 6; plus strand). Cytogenetic location: 2p16.3.
Variant type: single nucleotide variant.
Coding change: c.3692T>A on transcript NM_000179.3 (MANE Select); coding-DNA position 3692, T replaced by A.
Protein change: p.Val1231Asp; replaces valine 1231 with aspartic acid.
Molecular consequence: missense variant.
Genome position (GRCh38, 1-based): chr2:47,806,249, T>A. VCF-style: chr2-47806249-T-A. GRCh37 (hg19) VCF-style: chr2-48033388-T-A.
Other names: c.3302T>A, p.Val1101Asp (NM_001281492.2); c.2786T>A, p.Val929Asp (NM_001281493.2, NM_001281494.2); short protein forms V1101D, V1231D, V929D.
Identifiers: ClinVar variation 1421563 (VCV001421563.8), dbSNP rs1221659275, ClinGen allele CA346760963.